The following is an entry in ClinVar:

ClinVar aggregate classification (germline): Benign. Review status: criteria provided, multiple submitters, no conflicts (2 of 4 stars). 6 submissions from 6 submitters: Benign (6). Last evaluated 2026-02-03.

Conditions:
Holoprosencephaly 5 (HPE5). Identifiers: Orphanet 2162, MedGen C1864827, MONDO:0012322, OMIM 609637.

Allele frequency attached by ClinVar (database versions not stated): gnomAD exomes 0.00181 and 0.00462; ExAC 0.00531; ESP Exome Variant Server 0.01576; gnomAD 0.01933 and 0.02065; 1000 Genomes Project 0.01977; 1000 Genomes Project 30x 0.02092; TOPMed 0.02114.

Submissions (6):

Labcorp Genetics (formerly Invitae), Labcorp
Classification: Benign for Holoprosencephaly 5. Last evaluated: 2026-02-03. Review status: criteria provided, single submitter. Criteria: Invitae Variant Classification Sherloc (09022015). Collection method: clinical testing. Allele origin: germline.

ARUP Laboratories, Molecular Genetics and Genomics, ARUP Laboratories
Classification: Benign for Holoprosencephaly 5. Last evaluated: 2023-11-06. Review status: criteria provided, single submitter. Criteria: ARUP Molecular Germline Variant Investigation Process 2024. Collection method: clinical testing. Allele origin: germline.

GeneDx
Classification: Benign. Last evaluated: 2018-06-26. Review status: criteria provided, single submitter. Criteria: GeneDx Variant Classification Process June 2021. Collection method: clinical testing. Allele origin: germline. Affected: yes.
Comment: This variant is associated with the following publications: (PMID: 32022405)

Eurofins Ntd Llc (ga)
Classification: Benign. Last evaluated: 2015-03-13. Review status: criteria provided, single submitter. Criteria: EGL Classification Definitions 2015. Collection method: clinical testing. Allele origin: germline. Observed: 2 variant alleles, 2 heterozygotes.

Breakthrough Genomics
Classification: Benign. Review status: criteria provided, single submitter. Criteria: ACMG Guidelines, 2015. Collection method: not provided. Allele origin: germline. Inheritance: Autosomal dominant inheritance. Affected: yes.

PreventionGenetics, part of Exact Sciences
Classification: Benign. Review status: criteria provided, single submitter. Criteria: ACMG Guidelines, 2015. Collection method: clinical testing. Allele origin: germline.

NM_007129.5(ZIC2):c.1326C>T (p.Ser442=)

Gene: ZIC2 (Zic family zinc finger 2; plus strand). Cytogenetic location: 13q32.3.
Variant type: single nucleotide variant.
Coding change: c.1326C>T on transcript NM_007129.5 (MANE Select); coding-DNA position 1326, C replaced by T.
Protein change: p.Ser442=; no amino-acid change (serine 442 retained).
Molecular consequence: synonymous variant.
Genome position (GRCh38, 1-based): chr13:99,985,409, C>T. VCF-style: chr13-99985409-C-T. GRCh37 (hg19) VCF-style: chr13-100637663-C-T.
Identifiers: ClinVar variation 196447 (VCV000196447.26), dbSNP rs182192729, ClinGen allele CA202381.